The following is an entry in ClinVar:

ClinVar aggregate classification (germline): Benign/Likely benign. Review status: criteria provided, multiple submitters, no conflicts (2 of 4 stars). 7 submissions from 7 submitters: Benign (2); Likely benign (5). Last evaluated 2025-08-03.

Conditions:
Hereditary cancer-predisposing syndrome. Also called: Tumor predisposition; Neoplastic Syndromes, Hereditary; Hereditary Cancer Syndrome; Hereditary neoplastic syndrome. Identifiers: Orphanet 140162, MedGen C0027672, MeSH D009386, MONDO:0015356.
Tuberous sclerosis syndrome (TSC). Also called: Tuberous Sclerosis Complex; Tuberous sclerosis. Identifiers: Orphanet 805, MedGen C0041341, MONDO:0001734.
Tuberous sclerosis 1 (TSC1). Identifiers: Orphanet 805, MedGen C1854465, MONDO:0008612, OMIM 191100.

Allele frequency attached by ClinVar (database versions not stated): TOPMed below 0.00001; ExAC 0.00001; gnomAD 0.00001 and 0.00002; gnomAD exomes 0.00002 and 0.00004.
gnomAD v4.1: 67 of 1,614,024 alleles (0.0042%); highest among the groups gnomAD compares: South Asian, 0.0066%; no homozygotes.

Submissions (7):

Labcorp Genetics (formerly Invitae), Labcorp
Classification: Likely benign for Tuberous sclerosis 1. Last evaluated: 2025-08-03. Review status: criteria provided, single submitter. Criteria: Invitae Variant Classification Sherloc (09022015). Collection method: clinical testing. Allele origin: germline.

Myriad Genetics, Inc.
Classification: Benign for Tuberous sclerosis 1. Last evaluated: 2025-04-08. Review status: criteria provided, single submitter. Criteria: Myriad Autosomal Dominant, Autosomal Recessive and X-Linked Classification Criteria (2023). Collection method: clinical testing. Allele origin: unknown.
Comment: This variant is considered benign. This variant is a silent/synonymous amino acid change and it is not expected to impact splicing.

All of Us Research Program, National Institutes of Health
Classification: Likely benign for Tuberous sclerosis syndrome. Last evaluated: 2024-05-14. Review status: criteria provided, single submitter. Criteria: ACMG Guidelines, 2015. Collection method: clinical testing. Allele origin: germline. Inheritance: Autosomal dominant inheritance. Observed: 2 variant alleles, 2 heterozygotes.
Comment: This study involves interpretation of variants in research participants for the purpose of population health screening. Participant phenotype was not available at the time of variant classification. Additional details can be found in publication PMID: 35346344, PMCID: PMC8962531

Color Diagnostics, LLC DBA Color Health
Classification: Likely benign for Tuberous sclerosis syndrome. Last evaluated: 2022-05-19. Review status: criteria provided, single submitter. Criteria: ACMG Guidelines, 2015. Collection method: clinical testing. Allele origin: germline.

Genome-Nilou Lab
Classification: Benign for Tuberous sclerosis 1. Last evaluated: 2021-11-07. Review status: criteria provided, single submitter. Criteria: ACMG Guidelines, 2015. Collection method: clinical testing. Allele origin: germline. Affected: no.

Sema4
Classification: Likely benign for Hereditary cancer-predisposing syndrome. Last evaluated: 2021-03-16. Review status: criteria provided, single submitter. Criteria: Sema4 Curation Guidelines. Collection method: curation. Allele origin: germline.

Ambry Genetics
Classification: Likely benign for Hereditary cancer-predisposing syndrome. Last evaluated: 2018-07-26. Review status: criteria provided, single submitter. Criteria: Ambry Variant Classification Scheme 2023. Collection method: clinical testing. Allele origin: germline.

NM_000368.5(TSC1):c.531C>T (p.Leu177=)

Gene: TSC1 (TSC complex subunit 1; minus strand). Cytogenetic location: 9q34.13.
Variant type: single nucleotide variant.
Coding change: c.531C>T on transcript NM_000368.5 (MANE Select); coding-DNA position 531, C replaced by T.
Protein change: p.Leu177=; no amino-acid change (leucine 177 retained).
Molecular consequence: synonymous variant.
Genome position (GRCh38, 1-based): chr9:132,921,951, G>A on the plus strand (C>T on the coding strand, the complement: TSC1 is on the minus strand). VCF-style: chr9-132921951-G-A. GRCh37 (hg19) VCF-style: chr9-135797338-G-A.
Other names: c.531C>T, p.Leu177= (NM_001162426.2); c.378C>T, p.Leu126= (NM_001162427.2); c.168C>T, p.Leu56= (NM_001362177.2).
Identifiers: ClinVar variation 416681 (VCV000416681.21), dbSNP rs752615412, ClinGen allele CA038003.
Genomic context (GRCh38, chr9:132,921,951, plus strand): 5'-GCAAGGGTACATTCCATAAAGGCGATGAAAGAGTGCGTACACACTGGCATGGAGATGGAC[G>A]AGATAGACTTCCGCCACGTGGCCTAGAAAAGGAACCCGTTGAGAAGAGCCTCTTAGTTGG-3'
Protein context (NP_000359.1, residues 167-187): KKPGHVAEVY[Leu177=]VHLHASVYAL